The following is an entry in ClinVar:

NM_000135.4(FANCA):c.1421T>C (p.Phe474Ser)

Gene: FANCA (FA complementation group A; minus strand). Cytogenetic location: 16q24.3.
Variant type: single nucleotide variant.
Coding change: c.1421T>C on transcript NM_000135.4 (MANE Select); coding-DNA position 1421, T replaced by C.
Protein change: p.Phe474Ser; replaces phenylalanine 474 with serine.
Molecular consequence: missense variant.
Genome position (GRCh38, 1-based): chr16:89,784,903, A>G on the plus strand (T>C on the coding strand, the complement: FANCA is on the minus strand). VCF-style: chr16-89784903-A-G. GRCh37 (hg19) VCF-style: chr16-89851311-A-G.
Other names: c.1421T>C (LRG_495t1); c.1421T>C, p.Phe474Ser (NM_001286167.3); short protein forms F474S.
Identifiers: ClinVar variation 393127 (VCV000393127.3), dbSNP rs1057524800, ClinGen allele CA16607151.

ClinVar aggregate classification (germline): Uncertain significance. Review status: criteria provided, multiple submitters, no conflicts (2 of 4 stars). 2 submissions from 2 submitters: Uncertain significance (2). Last evaluated 2024-10-02.

Conditions:
Inborn genetic diseases. Identifiers: MedGen C0950123, MeSH D030342.

Submissions (2):

Ambry Genetics
Classification: Uncertain significance for Inborn genetic diseases. Last evaluated: 2024-10-02. Review status: criteria provided, single submitter. Criteria: Ambry Variant Classification Scheme 2023. Collection method: clinical testing. Allele origin: germline.
Comment: The p.F474S variant (also known as c.1421T>C), located in coding exon 15 of the FANCA gene, results from a T to C substitution at nucleotide position 1421. The phenylalanine at codon 474 is replaced by serine, an amino acid with highly dissimilar properties. This amino acid position is conserved. In addition, this alteration is predicted to be deleterious by in silico analysis. Based on the available evidence, the clinical significance of this variant remains unclear.

GeneDx
Classification: Uncertain significance. Last evaluated: 2017-07-26. Review status: criteria provided, single submitter. Criteria: GeneDx Variant Classification (06012015). Collection method: clinical testing. Allele origin: germline. Affected: yes.
Comment: The F474S variant in the FANCA gene has not been reported previously as a pathogenic variant, nor as a benign variant, to our knowledge. The F474S variant was not observed in approximately 6,500 individuals of European and African American ancestry in the NHLBI Exome Sequencing Project, indicating it is not a common benign variant in these populations. The F474S variant is a non-conservative amino acid substitution, which is likely to impact secondary protein structure as these residues differ in polarity, charge, size and/or other properties. This substitution occurs at a position where amino acids with similar properties to Phenylalanine are tolerated across species. In silico analysis predicts this variant is probably damaging to the protein structure/function. We interpret F474S as a variant of uncertain significance.